The following is an entry in ClinVar:

NM_006231.4(POLE):c.2865-5_2865-4del

Gene: POLE (DNA polymerase epsilon, catalytic subunit; minus strand). Cytogenetic location: 12q24.33.
Variant type: Deletion.
Coding change: c.2865-5_2865-4del on transcript NM_006231.4 (MANE Select); 5 bases into the intron before coding-DNA position 2865 through 4 bases into the intron before coding-DNA position 2865, 2 bases deleted (TT; older notation c.2865-5_2865-4delTT).
Molecular consequence: intron variant.
Genome position (GRCh38, 1-based): chr12:132,661,168-132,661,169, AA deleted on the plus strand (TT on the coding strand, the reverse complement: POLE is on the minus strand); deleting any 2 consecutive bases within chr12:132,661,168-132,661,181 gives the same sequence; the c. name uses the placement nearest the transcript's 3' end. VCF-style (leftmost placement, unchanged base first): chr12-132661167-GAA-G. GRCh37 (hg19) VCF-style: chr12-133237753-GAA-G.
Other names: NC_000012.11:g.133237766_133237767del; p.?; c.2865-17_2865-16delTT (NM_006231.2); c.2865-17_2865-16del (NM_006231.4); c.2865-5_2865-4delTT (NM_006231.2).
Identifiers: ClinVar variation 548827 (VCV000548827.18), dbSNP rs369732588, ClinGen allele CA6893416.
Genomic context (GRCh38, chr12:132,661,167, plus strand): 5'-TTTGACCTCAAAGCCCTTGAGCTCAGCCAGAGAACCGTCTTCATTGAACACAGCATACCT[GAA>G]AAAAAAAAAAAAGGCAAGCACAGCAGTGGCAAGGAGCGCTGGGGAGCCACCAGCTGTGCC-3'

ClinVar aggregate classification (germline): Benign/Likely benign. Review status: criteria provided, multiple submitters, no conflicts (2 of 4 stars). 10 submissions from 10 submitters: Benign (2); Likely benign (4). 4 of the submissions do not count toward it. Last evaluated 2026-01-05.

Conditions:
Colorectal cancer, susceptibility to, 12 (CRCS12). Also called: COLORECTAL CANCER, SUSCEPTIBILITY TO, ON CHROMOSOME 12q24. Identifiers: Orphanet 220460, MedGen C3554460, MONDO:0014038, OMIM 615083.
Intrauterine growth retardation, metaphyseal dysplasia, adrenal hypoplasia congenita, genital anomalies, and immunodeficiency. Also called: IMAGEI SYNDROME. Identifiers: MedGen C5193036, MONDO:0032684, OMIM 618336.
Facial dysmorphism-immunodeficiency-livedo-short stature syndrome. Also called: Facial dysmorphism, immunodeficiency, livedo, and short stature; FILS syndrome. Identifiers: Orphanet 352712, MedGen C3554576, MONDO:0014058, OMIM 615139.
Hereditary cancer-predisposing syndrome. Also called: Hereditary neoplastic syndrome; Tumor predisposition; Neoplastic Syndromes, Hereditary; Hereditary Cancer Syndrome. Identifiers: Orphanet 140162, MedGen C0027672, MeSH D009386, MONDO:0015356.
Carcinoma of colon (CRC). Also called: Colonic carcinoma; Colon carcinoma. Identifiers: MedGen C0699790, MONDO:0002032.

Submissions (15):

Dasa
Classification: Benign. Last evaluated: 2026-01-05. Review status: criteria provided, single submitter. Criteria: DASA Assertion Criteria. Collection method: clinical testing. Allele origin: germline.
Comment: NM_006231.4(POLE):c.2865-5_2865-4del is interpreted as benign based on a combination of available evidence, which may include population frequency, observations in unaffected individuals, intact protein function, lack of segregation with disease, in silico models, amino acid conservation, lack of disease association in case-control studies, and/or inconsistency with the known disease mechanism or impacted region. Based on the available data, this variant is classified as benign.

Mayo Clinic Laboratories, Mayo Clinic
Classification: Likely benign. Last evaluated: 2025-06-19. Review status: criteria provided, single submitter. Criteria: ACMG Guidelines, 2015. Collection method: clinical testing. Allele origin: germline. Observed: 1 variant allele.
Comment: BS1, BP4

Center for Genomic Medicine, Rigshospitalet, Copenhagen University Hospital
Classification: Likely benign. Last evaluated: 2025-03-04. Review status: criteria provided, single submitter. Criteria: ACMG Guidelines, 2015. Collection method: clinical testing. Allele origin: germline.

Blueprint Genetics
Classification: Likely benign. Last evaluated: 2024-08-29. Review status: criteria provided, single submitter. Criteria: ACMG Guidelines, 2015. Collection method: clinical testing. Allele origin: germline.

Ambry Genetics
Classification: Benign for Hereditary cancer-predisposing syndrome. Last evaluated: 2024-03-07. Review status: criteria provided, single submitter. Criteria: Ambry Variant Classification Scheme 2023. Collection method: clinical testing. Allele origin: germline.

Fulgent Genetics
Classification: Likely benign for Colorectal cancer, susceptibility to, 12; Facial dysmorphism-immunodeficiency-livedo-short stature syndrome; Intrauterine growth retardation, metaphyseal dysplasia, adrenal hypoplasia congenita, genital anomalies, and immunodeficiency. Last evaluated: 2021-09-23. Review status: criteria provided, single submitter. Criteria: ACMG Guidelines, 2015. Collection method: clinical testing. Allele origin: unknown.

Counsyl
Classification: Benign for Colorectal cancer, susceptibility to, 12. Last evaluated: 2017-12-21. Review status: no assertion criteria provided. Collection method: clinical testing. Allele origin: unknown. Not counted in ClinVar's aggregate classification.

Clinical Genetics, Academic Medical Center
Classification: Benign. Review status: no assertion criteria provided. Collection method: clinical testing. Allele origin: germline. Affected: yes. Study: VKGL Data-share Consensus. Not counted in ClinVar's aggregate classification.

Department of Pathology and Laboratory Medicine, Sinai Health System
Classification: Uncertain significance for Carcinoma of colon. Review status: no assertion criteria provided. Collection method: clinical testing. Allele origin: unknown. Affected: yes. Study: The Canadian Open Genetics Repository (COGR). Not counted in ClinVar's aggregate classification.
Comment: The POLE c.2865-5_2865-4delTT variant was not identified in the literature nor was it identified in the ClinVar or MutDB databases. The variant was identified in dbSNP (ID: rs767764560) as "NA", and the Cosmic database (1x, confirmed somatic, in melanoma of the eye). The variant was not identified in the control databases: the 1000 Genomes Project, the NHLBI GO Exome Sequencing Project, the Exome Aggregation Consortium (August 8th 2016), or the Genome Aggregation Database (Feb 27, 2017). The c.2865-5_2865-4delTT variant is located in the 3' splice region but does not affect the invariant -1 and -2 positions. However, positions -3 and -5 to -12 are part of the splicing consensus sequence and variants involving these positions sometimes affect splicing. In silico or computational prediction software programs (SpliceSiteFinder, MaxEntScan, NNSPLICE, GeneSplicer, HumanSpliceFinder) do not predict a difference in splicing. In summary, based on the above information the clinical significance of this variant cannot be determined with certainty at this time. This variant is classified as a variant of uncertain significance.

Dr. Peter K. Rogan Lab, Western University
No classification provided (evidence only). Condition: Familial cancer of breast. Review status: no classification provided. Collection method: in vitro. Allele origin: not applicable. Functional consequence: retained intron. Not counted in ClinVar's aggregate classification.

Dr. Peter K. Rogan Lab, Western University
No classification provided (evidence only). Condition: Malignant lymphoma, large B-cell, diffuse. Review status: no classification provided. Collection method: in vitro. Allele origin: not applicable. Functional consequence: retained intron. Not counted in ClinVar's aggregate classification.

Dr. Peter K. Rogan Lab, Western University
No classification provided (evidence only). Condition: Nonpapillary renal cell carcinoma. Review status: no classification provided. Collection method: in vitro. Allele origin: not applicable. Functional consequence: retained intron. Not counted in ClinVar's aggregate classification.

Dr. Peter K. Rogan Lab, Western University
No classification provided (evidence only). Condition: Nonpapillary renal cell carcinoma. Review status: no classification provided. Collection method: in vitro. Allele origin: not applicable. Functional consequence: retained intron. Not counted in ClinVar's aggregate classification.

Dr. Peter K. Rogan Lab, Western University
No classification provided (evidence only). Condition: Malignant tumor of esophagus. Review status: no classification provided. Collection method: in vitro. Allele origin: not applicable. Functional consequence: retained intron. Not counted in ClinVar's aggregate classification.

Genome Diagnostics Laboratory, Amsterdam University Medical Center
Classification: Likely benign. Review status: no assertion criteria provided. Collection method: clinical testing. Allele origin: germline. Affected: yes. Study: VKGL Data-share Consensus. Not counted in ClinVar's aggregate classification.